The following is an entry in ClinVar:

NM_004329.3(BMPR1A):c.710T>C (p.Val237Ala)

Gene: BMPR1A (bone morphogenetic protein receptor type 1A; plus strand). Cytogenetic location: 10q23.2.
Variant type: single nucleotide variant.
Coding change: c.710T>C on transcript NM_004329.3 (MANE Select); coding-DNA position 710, T replaced by C.
Protein change: p.Val237Ala; replaces valine 237 with alanine.
Molecular consequence: missense variant.
Genome position (GRCh38, 1-based): chr10:86,917,168, T>C. VCF-style: chr10-86917168-T-C. GRCh37 (hg19) VCF-style: chr10-88676925-T-C.
Other names: short protein forms V237A.
Identifiers: ClinVar variation 959545 (VCV000959545.10), dbSNP rs1843583262, ClinGen allele CA377457188.

ClinVar aggregate classification (germline): Uncertain significance (1 of 4 stars; one submission).

Conditions:
Juvenile polyposis syndrome (JPS). Identifiers: Orphanet 2929, MedGen C0345893, MONDO:0017380, OMIM 174900.

Submission:

Labcorp Genetics (formerly Invitae), Labcorp
Classification: Uncertain significance for Juvenile polyposis syndrome. Last evaluated: 2019-07-31. Review status: criteria provided, single submitter. Criteria: Invitae Variant Classification Sherloc (09022015). Collection method: clinical testing. Allele origin: germline.
Comment: This variant is not present in population databases (ExAC no frequency). In summary, the available evidence is currently insufficient to determine the role of this variant in disease. Therefore, it has been classified as a Variant of Uncertain Significance. Algorithms developed to predict the effect of missense changes on protein structure and function (SIFT, PolyPhen-2, Align-GVGD) all suggest that this variant is likely to be tolerated, but these predictions have not been confirmed by published functional studies and their clinical significance is uncertain. This variant has not been reported in the literature in individuals with BMPR1A-related conditions. This sequence change replaces valine with alanine at codon 237 of the BMPR1A protein (p.Val237Ala). The valine residue is highly conserved and there is a small physicochemical difference between valine and alanine.